The following is an entry in ClinVar:

NM_000057.4(BLM):c.3774G>C (p.Glu1258Asp)

Gene: BLM (BLM RecQ like helicase; plus strand). Cytogenetic location: 15q26.1.
Variant type: single nucleotide variant.
Coding change: c.3774G>C on transcript NM_000057.4 (MANE Select); coding-DNA position 3774, G replaced by C.
Protein change: p.Glu1258Asp; replaces glutamic acid 1258 with aspartic acid.
Molecular consequence: missense variant.
Genome position (GRCh38, 1-based): chr15:90,809,159, G>C. VCF-style: chr15-90809159-G-C. GRCh37 (hg19) VCF-style: chr15-91352389-G-C.
Other names: c.3774G>C, p.Glu1258Asp (NM_001287246.2); c.3381G>C, p.Glu1127Asp (NM_001287247.2); c.2649G>C, p.Glu883Asp (NM_001287248.2); short protein forms E1127D, E1258D, E883D.
Identifiers: ClinVar variation 1347006 (VCV001347006.8), dbSNP rs1596271783, ClinGen allele CA393849627.

ClinVar aggregate classification (germline): Uncertain significance (1 of 4 stars; one submission).

Conditions:
Bloom syndrome (BLM). Also called: Bloom-Torre-Machacek syndrome. Identifiers: Orphanet 125, MedGen C0005859, MONDO:0008876, OMIM 210900.

Submission:

Labcorp Genetics (formerly Invitae), Labcorp
Classification: Uncertain significance for Bloom syndrome. Last evaluated: 2021-06-12. Review status: criteria provided, single submitter. Criteria: Invitae Variant Classification Sherloc (09022015). Collection method: clinical testing. Allele origin: germline.
Comment: This sequence change replaces glutamic acid with aspartic acid at codon 1258 of the BLM protein (p.Glu1258Asp). The glutamic acid residue is moderately conserved and there is a small physicochemical difference between glutamic acid and aspartic acid. This variant is not present in population databases (ExAC no frequency). This variant has not been reported in the literature in individuals with BLM-related conditions. Algorithms developed to predict the effect of missense changes on protein structure and function are either unavailable or do not agree on the potential impact of this missense change (SIFT: "Tolerated"; PolyPhen-2: "Possibly Damaging"; Align-GVGD: "Class C0"). In summary, the available evidence is currently insufficient to determine the role of this variant in disease. Therefore, it has been classified as a Variant of Uncertain Significance.